The following is an entry in ClinVar:

NM_001353214.3(DYM):c.-54+34G>C

Genes: DYM (dymeclin; minus strand), LOC130062481 (ATAC-STARR-seq lymphoblastoid silent region 9448; plus strand). Cytogenetic location: 18q21.1.
Variant type: single nucleotide variant.
Coding change: c.-54+34G>C on transcript NM_001353214.3 (MANE Select); 34 bases into the intron after 54 bases upstream of the start codon, G replaced by C.
Molecular consequence: intron variant.
Genome position (GRCh38, 1-based): chr18:49,460,364, C>G on the plus strand (G>C on the coding strand, the complement: DYM is on the minus strand). VCF-style: chr18-49460364-C-G. GRCh37 (hg19) VCF-style: chr18-46986734-C-G.
Other names: c.-54+34G>C (NM_001374439.1, NM_001374429.1, NM_001353211.3 and 20 more transcripts); c.-312+34G>C (NM_001374428.1).
Identifiers: ClinVar variation 402809 (VCV000402809.16), dbSNP rs60901553, ClinGen allele CA14535731.
Genomic context (GRCh38, chr18:49,460,364, plus strand): 5'-GCGGAGGGTGGCCCCTGACCCCCTCTGACAGGAGGCCGGGGACAGCCAGGCTTTCGGGCC[C>G]GGCCGCGCTGAGGGGGGCGGCGCTACAGCCCACCTGTCTCAGCCGGCTGGGGGATCTGCT-3'

ClinVar aggregate classification (germline): Benign. Review status: criteria provided, multiple submitters, no conflicts (2 of 4 stars). 4 submissions from 4 submitters: Benign (4). Last evaluated 2026-01-26.

Allele frequency attached by ClinVar (database versions not stated): TOPMed 0.16826; gnomAD 0.16905 and 0.17908; 1000 Genomes Project 30x 0.24735; 1000 Genomes Project 0.25859; gnomAD exomes 0.27778.
gnomAD v4.1: 27,202 of 152,176 alleles (18%); highest among the groups gnomAD compares: East Asian, 49%; 2,945 homozygotes.

Submissions (4):

Labcorp Genetics (formerly Invitae), Labcorp
Classification: Benign. Last evaluated: 2026-01-26. Review status: criteria provided, single submitter. Criteria: Invitae Variant Classification Sherloc (09022015). Collection method: clinical testing. Allele origin: germline.

Eurofins Ntd Llc (ga)
Classification: Benign. Last evaluated: 2017-01-09. Review status: criteria provided, single submitter. Criteria: EGL Classification Definitions 2015. Collection method: clinical testing. Allele origin: germline. Observed: 1 variant allele, 1 heterozygote.

Laboratory for Molecular Medicine, Mass General Brigham Personalized Medicine
Classification: Benign. Last evaluated: 2016-03-29. Review status: criteria provided, single submitter. Criteria: LMM Criteria. Collection method: clinical testing. Allele origin: germline.
Comment: Variant identified in a genome or exome case(s) and assessed due to predicted null impact of the variant or pathogenic assertions in the literature or databases. Disclaimer: This variant has not undergone full assessment. The following are preliminary notes: Frequency in 1000Genomes: 566/2178= 25.98%

Breakthrough Genomics
Classification: Benign. Review status: criteria provided, single submitter. Criteria: ACMG Guidelines, 2015. Collection method: not provided. Allele origin: germline. Inheritance: Autosomal recessive inheritance. Affected: yes.